The following is an entry in ClinVar:

NM_012144.4(DNAI1):c.1711A>G (p.Thr571Ala)

Gene: DNAI1 (dynein axonemal intermediate chain 1; plus strand). Cytogenetic location: 9p13.3.
Variant type: single nucleotide variant.
Coding change: c.1711A>G on transcript NM_012144.4 (MANE Select); coding-DNA position 1711, A replaced by G.
Protein change: p.Thr571Ala; replaces threonine 571 with alanine.
Molecular consequence: missense variant.
Genome position (GRCh38, 1-based): chr9:34,514,535, A>G. VCF-style: chr9-34514535-A-G. GRCh37 (hg19) VCF-style: chr9-34514533-A-G.
Other names: c.1723A>G, p.Thr575Ala (NM_001281428.2); short protein forms T571A, T575A.
Identifiers: ClinVar variation 1023052 (VCV001023052.6), dbSNP rs1206542308, ClinGen allele CA373263955.

ClinVar aggregate classification (germline): Uncertain significance (1 of 4 stars; one submission).

Conditions:
Primary ciliary dyskinesia. Also called: Ciliary dyskinesia. Identifiers: Orphanet 244, MedGen C0008780, MONDO:0016575, HP:0012265.

Allele frequency attached by ClinVar (database versions not stated): gnomAD exomes below 0.00001; gnomAD 0.00001; TOPMed 0.00002.
gnomAD v4.1: 5 of 1,613,928 alleles (0.00031%); highest among the groups gnomAD compares: Non-Finnish European, 0.00042%; no homozygotes.

Submission:

Labcorp Genetics (formerly Invitae), Labcorp
Classification: Uncertain significance for Primary ciliary dyskinesia. Last evaluated: 2021-08-13. Review status: criteria provided, single submitter. Criteria: Invitae Variant Classification Sherloc (09022015). Collection method: clinical testing. Allele origin: germline.
Comment: This sequence change replaces threonine with alanine at codon 571 of the DNAI1 protein (p.Thr571Ala). The threonine residue is moderately conserved and there is a small physicochemical difference between threonine and alanine. This variant is not present in population databases (ExAC no frequency). This variant has not been reported in the literature in individuals affected with DNAI1-related conditions. Algorithms developed to predict the effect of missense changes on protein structure and function (SIFT, PolyPhen-2, Align-GVGD) all suggest that this variant is likely to be tolerated. In summary, the available evidence is currently insufficient to determine the role of this variant in disease. Therefore, it has been classified as a Variant of Uncertain Significance.